The following is an entry in ClinVar:

ClinVar aggregate classification (germline): Uncertain significance (1 of 4 stars; one submission).

Conditions:
Osteogenesis imperfecta type I (OI1). Also called: Lobstein's Disease; Lobstein disease; OI, TYPE I; OSTEOGENESIS IMPERFECTA TARDA; OSTEOGENESIS IMPERFECTA WITH BLUE SCLERAE; Osteogenesis imperfecta type 1. Identifiers: Orphanet 216796, Orphanet 666, MedGen C0023931, MONDO:0008146, OMIM 166200. Disease mechanism: loss of function.

Allele frequency attached by ClinVar (database versions not stated): gnomAD exomes below 0.00001; gnomAD 0.00001; TOPMed 0.00001.
gnomAD v4.1: 6 of 1,614,064 alleles (0.00037%); highest among the groups gnomAD compares: African/African-American, 0.0013%; no homozygotes.

Submission:

Labcorp Genetics (formerly Invitae), Labcorp
Classification: Uncertain significance for Osteogenesis imperfecta type I. Last evaluated: 2023-11-03. Review status: criteria provided, single submitter. Criteria: Invitae Variant Classification Sherloc (09022015). Collection method: clinical testing. Allele origin: germline.
Comment: This sequence change replaces alanine, which is neutral and non-polar, with threonine, which is neutral and polar, at codon 1221 of the COL1A1 protein (p.Ala1221Thr). This variant is not present in population databases (gnomAD no frequency). This variant has not been reported in the literature in individuals affected with COL1A1-related conditions. Advanced modeling of protein sequence and biophysical properties (such as structural, functional, and spatial information, amino acid conservation, physicochemical variation, residue mobility, and thermodynamic stability) performed at Invitae indicates that this missense variant is not expected to disrupt COL1A1 protein function with a negative predictive value of 95%. In summary, the available evidence is currently insufficient to determine the role of this variant in disease. Therefore, it has been classified as a Variant of Uncertain Significance.

NM_000088.4(COL1A1):c.3661G>A (p.Ala1221Thr)

Gene: COL1A1 (collagen type I alpha 1 chain; minus strand). Cytogenetic location: 17q21.33.
Variant type: single nucleotide variant.
Coding change: c.3661G>A on transcript NM_000088.4 (MANE Select); coding-DNA position 3661, G replaced by A.
Protein change: p.Ala1221Thr; replaces alanine 1221 with threonine.
Molecular consequence: missense variant.
Genome position (GRCh38, 1-based): chr17:50,186,793, C>T on the plus strand (G>A on the coding strand, the complement: COL1A1 is on the minus strand). VCF-style: chr17-50186793-C-T. GRCh37 (hg19) VCF-style: chr17-48264154-C-T.
Other names: short protein forms A1221T.
Identifiers: ClinVar variation 2751303 (VCV002751303.3), dbSNP rs1291760050, ClinGen allele CA400197373.